The following is an entry in ClinVar:

NM_000130.5(F5):c.3949G>A (p.Gly1317Ser)

Gene: F5 (coagulation factor V; minus strand). Cytogenetic location: 1q24.2.
Variant type: single nucleotide variant.
Coding change: c.3949G>A on transcript NM_000130.5 (MANE Select); coding-DNA position 3949, G replaced by A.
Protein change: p.Gly1317Ser; replaces glycine 1317 with serine.
Molecular consequence: missense variant.
Genome position (GRCh38, 1-based): chr1:169,541,141, C>T on the plus strand (G>A on the coding strand, the complement: F5 is on the minus strand). VCF-style: chr1-169541141-C-T. GRCh37 (hg19) VCF-style: chr1-169510379-C-T.
Other names: short protein forms G1317S.
Identifiers: ClinVar variation 293602 (VCV000293602.9), dbSNP rs149048805, ClinGen allele CA1233789.

ClinVar aggregate classification (germline): Conflicting classifications of pathogenicity. Review status: criteria provided, conflicting classifications (1 of 4 stars). 5 submissions from 3 submitters: Uncertain significance (4); Likely benign (1). Last evaluated 2022-12-21.

Conditions:
Factor V deficiency. Also called: Reduced coagulation factor V activity. Identifiers: Orphanet 326, MedGen C4317320, MONDO:0020586, HP:0003225.
Thrombophilia due to thrombin defect (THPH1). Also called: Thrombosis susceptibility; THROMBOPHILIA DUE TO FACTOR 2 DEFECT; Prothrombin-Related Thrombophilia (Factor II); Prothrombin Thrombophilia. Identifiers: MedGen C3160733, MONDO:0008559, OMIM 188050. Disease mechanism: gain of function, loss of function.
Inborn genetic diseases. Identifiers: MedGen C0950123, MeSH D030342.
Budd-Chiari syndrome (BDCHS). Also called: Hepatic vein obstruction. Identifiers: Orphanet 131, MedGen C0856761, MONDO:0010947, OMIM 600880, HP:0002639.

Allele frequency attached by ClinVar (database versions not stated): ExAC 0.00004; gnomAD exomes 0.00006 and 0.00009; ESP Exome Variant Server 0.00008; gnomAD 0.00012 and 0.00013; 1000 Genomes Project 0.00020.
gnomAD v4.1: 63 of 1,544,554 alleles (0.0041%); highest among the groups gnomAD compares: African/African-American, 0.025%; no homozygotes.

Submissions (5):

Ambry Genetics
Classification: Likely benign for Inborn genetic diseases. Last evaluated: 2022-12-21. Review status: criteria provided, single submitter. Criteria: Ambry Variant Classification Scheme 2023. Collection method: clinical testing. Allele origin: germline.

Labcorp Genetics (formerly Invitae), Labcorp
Classification: Uncertain significance for Congenital factor V deficiency. Last evaluated: 2021-09-02. Review status: criteria provided, single submitter. Criteria: Invitae Variant Classification Sherloc (09022015). Collection method: clinical testing. Allele origin: germline.
Comment: This sequence change replaces glycine with serine at codon 1317 of the F5 protein (p.Gly1317Ser). The glycine residue is weakly conserved and there is a small physicochemical difference between glycine and serine. This variant is present in population databases (rs149048805, ExAC 0.007%). This variant has not been reported in the literature in individuals affected with F5-related conditions. ClinVar contains an entry for this variant (Variation ID: 293602). Algorithms developed to predict the effect of missense changes on protein structure and function output the following: SIFT: "Tolerated"; PolyPhen-2: "Benign"; Align-GVGD: "Class C0". The serine amino acid residue is found in multiple mammalian species, which suggests that this missense change does not adversely affect protein function. Algorithms developed to predict the effect of sequence changes on RNA splicing suggest that this variant may create or strengthen a splice site. In summary, the available evidence is currently insufficient to determine the role of this variant in disease. Therefore, it has been classified as a Variant of Uncertain Significance.

Illumina Laboratory Services, Illumina
Classification: Uncertain significance for Congenital factor V deficiency. Last evaluated: 2018-01-13. Review status: criteria provided, single submitter. Criteria: ICSL Variant Classification Criteria 13 December 2019. Collection method: clinical testing. Allele origin: germline.

Illumina Laboratory Services, Illumina
Classification: Uncertain significance for Venous thrombosis. Last evaluated: 2018-01-13. Review status: criteria provided, single submitter. Criteria: ICSL Variant Classification Criteria 13 December 2019. Collection method: clinical testing. Allele origin: germline.

Illumina Laboratory Services, Illumina
Classification: Uncertain significance for Budd-Chiari syndrome. Last evaluated: 2018-01-13. Review status: criteria provided, single submitter. Criteria: ICSL Variant Classification Criteria 13 December 2019. Collection method: clinical testing. Allele origin: germline.